The following is an entry in ClinVar:

NM_001199397.3(NEK1):c.1911+3A>G

Gene: NEK1 (NIMA related kinase 1; minus strand). Cytogenetic location: 4q33.
Variant type: single nucleotide variant.
Coding change: c.1911+3A>G on transcript NM_001199397.3 (MANE Select); 3 bases into the intron after coding-DNA position 1911, A replaced by G.
Molecular consequence: intron variant.
Genome position (GRCh38, 1-based): chr4:169,507,712, T>C on the plus strand (A>G on the coding strand, the complement: NEK1 is on the minus strand). VCF-style: chr4-169507712-T-C. GRCh37 (hg19) VCF-style: chr4-170428863-T-C.
Other names: c.1701+3A>G (NM_001374421.1); c.1776+3A>G (NM_001374420.1); c.1620+3A>G (NM_001199399.3); c.1779+3A>G (NM_001199398.3); c.1827+3A>G (NM_001374419.1, NM_012224.4); c.1695+3A>G (NM_001199400.3); c.1911+3A>G (NM_001374418.1).
Identifiers: ClinVar variation 2737992 (VCV002737992.3), dbSNP rs992236345, ClinGen allele CA109906866.

ClinVar aggregate classification (germline): Uncertain significance (1 of 4 stars; one submission).

Conditions:
Short-rib thoracic dysplasia 6 with or without polydactyly (SRTD6). Also called: POLYDACTYLY WITH NEONATAL CHONDRODYSTROPHY, TYPE II; SHORT-RIB THORACIC DYSPLASIA 6 WITH POLYDACTYLY; SHORT-RIB THORACIC DYSPLASIA 6 WITHOUT POLYDACTYLY; Majewski Syndrome; SHORT RIB-POLYDACTYLY SYNDROME, TYPE IIA. Identifiers: MedGen C0024507, MONDO:0009894, OMIM 263520.

Allele frequency attached by ClinVar (database versions not stated): gnomAD exomes 0.00001; TOPMed 0.00001.
gnomAD v4.1: 17 of 1,609,414 alleles (0.0011%); highest among the groups gnomAD compares: East Asian, 0.0022%; no homozygotes.

Submission:

Labcorp Genetics (formerly Invitae), Labcorp
Classification: Uncertain significance for Short-rib thoracic dysplasia 6 with or without polydactyly. Last evaluated: 2023-04-06. Review status: criteria provided, single submitter. Criteria: Invitae Variant Classification Sherloc (09022015). Collection method: clinical testing. Allele origin: germline.
Comment: This sequence change falls in intron 20 of the NEK1 gene. It does not directly change the encoded amino acid sequence of the NEK1 protein. It affects a nucleotide within the consensus splice site. This variant is not present in population databases (gnomAD no frequency). This variant has not been reported in the literature in individuals affected with NEK1-related conditions. Variants that disrupt the consensus splice site are a relatively common cause of aberrant splicing (PMID: 17576681, 9536098). Algorithms developed to predict the effect of sequence changes on RNA splicing suggest that this variant may disrupt the consensus splice site. In summary, the available evidence is currently insufficient to determine the role of this variant in disease. Therefore, it has been classified as a Variant of Uncertain Significance.

Literature cited by the submitters: PubMed 17576681; PubMed 9536098.